The following is an entry in ClinVar:

ClinVar aggregate classification (germline): Uncertain significance (1 of 4 stars; one submission).

Conditions:
Renal cell carcinoma. Identifiers: Orphanet 217071, MedGen C0007134, MeSH D002292, MONDO:0005086, HP:0005584.

Allele frequency attached by ClinVar (database versions not stated): gnomAD exomes below 0.00001; ExAC 0.00001.
gnomAD v4.1: 1 of 1,610,486 alleles (0.000062%); highest among the groups gnomAD compares: East Asian, 0.0022%; no homozygotes.

Submission:

Labcorp Genetics (formerly Invitae), Labcorp
Classification: Uncertain significance for Renal cell carcinoma. Last evaluated: 2024-07-20. Review status: criteria provided, single submitter. Criteria: Invitae Variant Classification Sherloc (09022015). Collection method: clinical testing. Allele origin: germline.
Comment: This sequence change replaces aspartic acid, which is acidic and polar, with asparagine, which is neutral and polar, at codon 340 of the MET protein (p.Asp340Asn). This variant is present in population databases (rs769544894, gnomAD 0.006%). This variant has not been reported in the literature in individuals affected with MET-related conditions. ClinVar contains an entry for this variant (Variation ID: 1501148). Advanced modeling of protein sequence and biophysical properties (such as structural, functional, and spatial information, amino acid conservation, physicochemical variation, residue mobility, and thermodynamic stability) has been performed at Invitae for this missense variant, however the output from this modeling did not meet the statistical confidence thresholds required to predict the impact of this variant on MET protein function. In summary, the available evidence is currently insufficient to determine the role of this variant in disease. Therefore, it has been classified as a Variant of Uncertain Significance.

NM_000245.4(MET):c.1018G>A (p.Asp340Asn)

Gene: MET (MET proto-oncogene, receptor tyrosine kinase; plus strand). Cytogenetic location: 7q31.2.
Variant type: single nucleotide variant.
Coding change: c.1018G>A on transcript NM_000245.4 (MANE Select); coding-DNA position 1018, G replaced by A.
Protein change: p.Asp340Asn; replaces aspartic acid 340 with asparagine.
Molecular consequence: missense variant. On other transcripts: intron variant (1).
Genome position (GRCh38, 1-based): chr7:116,700,102, G>A. VCF-style: chr7-116700102-G-A. GRCh37 (hg19) VCF-style: chr7-116340156-G-A.
Other names: c.1018G>A, p.Asp340Asn (NM_001127500.3, NM_001324401.3); c.-91+27525G>A (NM_001324402.2); short protein forms D340N.
Identifiers: ClinVar variation 1501148 (VCV001501148.8), dbSNP rs769544894, ClinGen allele CA4448054.
Genomic context (GRCh38, chr7:116,700,102, plus strand): 5'-GCGTATGTCAGCAAGCCTGGGGCCCAGCTTGCTAGACAAATAGGAGCCAGCCTGAATGAT[G>A]ACATTCTTTTCGGGGTGTTCGCACAAAGCAAGCCAGATTCTGCCGAACCAATGGATCGAT-3'
Protein context (NP_000236.2, residues 330-350): ARQIGASLND[Asp340Asn]ILFGVFAQSK